The following is an entry in ClinVar:

ClinVar aggregate classification (germline): Uncertain significance. Review status: criteria provided, multiple submitters, no conflicts (2 of 4 stars). 3 submissions from 3 submitters: Uncertain significance (2). 1 of the submissions does not count toward it. Last evaluated 2025-12-09.

Conditions:
Carnitine palmitoyl transferase 1A deficiency. Also called: CPT deficiency, hepatic, type IA; CPT I DEFICIENCY; CPT DEFICIENCY, HEPATIC, TYPE I; Carnitine palmitoyltransferase 1A deficiency; Carnitine palmitoyltransferase type I deficiency. Identifiers: Orphanet 156, MedGen C1829703, MONDO:0009705, OMIM 255120.

Submissions (3):

3billion
Classification: Uncertain significance for Carnitine palmitoyl transferase 1A deficiency. Last evaluated: 2025-12-09. Review status: criteria provided, single submitter. Criteria: ACMG Guidelines, 2015. Collection method: clinical testing. Allele origin: germline. Affected: yes.
Comment: The variant is observed at an extremely low frequency in the gnomAD v4.1.0 dataset (total allele frequency: <0.001%). Predicted Consequence/Location: Inframe deletion located in a nonrepeat region: predicted to change the length of the protein and disrupt normal protein function. The variant has been reported as of uncertain significance (ClinVar ID: VCV000550261). Therefore, this variant is classified as VUS according to the recommendation of ACMG/AMP guideline.

Labcorp Genetics (formerly Invitae), Labcorp
Classification: Uncertain significance for Carnitine palmitoyl transferase 1A deficiency. Last evaluated: 2022-04-11. Review status: criteria provided, single submitter. Criteria: Invitae Variant Classification Sherloc (09022015). Collection method: clinical testing. Allele origin: germline.
Comment: This variant, c.1274_1276del, results in the deletion of 1 amino acid(s) of the CPT1A protein (p.Glu425del), but otherwise preserves the integrity of the reading frame. This variant is present in population databases (rs747376723, gnomAD 0.007%). This variant has not been reported in the literature in individuals affected with CPT1A-related conditions. ClinVar contains an entry for this variant (Variation ID: 550261). Experimental studies and prediction algorithms are not available or were not evaluated, and the functional significance of this variant is currently unknown. In summary, the available evidence is currently insufficient to determine the role of this variant in disease. Therefore, it has been classified as a Variant of Uncertain Significance.

Counsyl
Classification: Uncertain significance for Carnitine palmitoyl transferase 1A deficiency. Last evaluated: 2016-12-27. Review status: no assertion criteria provided. Collection method: clinical testing. Allele origin: unknown. Not counted in ClinVar's aggregate classification.

NM_001876.4(CPT1A):c.1271AAG[1] (p.Glu425del)

Genes: CPT1A (carnitine palmitoyltransferase 1A; minus strand), LOC126861244 (BRD4-independent group 4 enhancer GRCh37_chr11:68549035-68550234; plus strand). Cytogenetic location: 11q13.3.
Variant type: Microsatellite.
Coding change: c.1271AAG[1] on transcript NM_001876.4 (MANE Select); one copy of the 3-base unit AAG starting at c.1271; the reference has two copies in a row; one copy, 3 bases deleted; also written c.1274_1276del.
Protein change: p.Glu425del; deletes glutamic acid 425.
Molecular consequence: inframe deletion.
Genome position (GRCh38, 1-based): chr11:68,781,847-68,781,849, CTT deleted on the plus strand (AAG on the coding strand, the reverse complement: CPT1A is on the minus strand); deleting any 3 consecutive bases within chr11:68,781,847-68,781,853 gives the same sequence; the position shown is the placement nearest the transcript's 3' end. VCF-style (leftmost placement, unchanged base first): chr11-68781846-CCTT-C. GRCh37 (hg19) VCF-style: chr11-68549314-CCTT-C.
Other names: c.1274_1276del (NM_001876.4); c.1271AAG[1], p.Glu425del (NM_001031847.3); short protein forms E425del.
Identifiers: ClinVar variation 550261 (VCV000550261.5), dbSNP rs747376723, ClinGen allele CA6152363.
Genomic context (GRCh38, chr11:68,781,846, plus strand): 5'-CCGTGTAGTAGAGATTTGGCGTAGCTGTCCATTGACGTATCCGGGTCTTCACTTCTGTAT[CCTT>C]CTTCAGTTTCATCTAACGTCACAAAGAACGCTGCTTTCTCCACAGCATCAAGAGACTGCT-3'